The following is an entry in ClinVar:

NM_152703.5(SAMD9L):c.1679T>C (p.Leu560Pro)

Gene: SAMD9L (sterile alpha motif domain containing 9 like; minus strand). Cytogenetic location: 7q21.2.
Variant type: single nucleotide variant.
Coding change: c.1679T>C on transcript NM_152703.5 (MANE Select); coding-DNA position 1679, T replaced by C.
Protein change: p.Leu560Pro; replaces leucine 560 with proline.
Molecular consequence: missense variant.
Genome position (GRCh38, 1-based): chr7:93,134,293, A>G on the plus strand (T>C on the coding strand, the complement: SAMD9L is on the minus strand). VCF-style: chr7-93134293-A-G. GRCh37 (hg19) VCF-style: chr7-92763606-A-G.
Other names: c.1679T>C, p.Leu560Pro (NM_001303496.3, NM_001303497.3, NM_001303498.3 and 5 more transcripts); short protein forms L560P.
Identifiers: ClinVar variation 2580616 (VCV002580616.1), dbSNP rs745399870, ClinGen allele CA368195265.

ClinVar aggregate classification (germline): Uncertain significance (1 of 4 stars; one submission).

gnomAD v4.1: 2 of 1,613,340 alleles (0.00012%); highest among the groups gnomAD compares: African/African-American, 0.0013%; no homozygotes.

Submission:

GeneDx
Classification: Uncertain significance. Last evaluated: 2023-03-22. Review status: criteria provided, single submitter. Criteria: GeneDx Variant Classification Process June 2021. Collection method: clinical testing. Allele origin: germline. Affected: yes.
Comment: Not observed at significant frequency in large population cohorts (gnomAD); In silico analysis supports that this missense variant has a deleterious effect on protein structure/function; Has not been previously published as pathogenic or benign to our knowledge; This variant is associated with the following publications: (PMID: 28545555)